The following is an entry in ClinVar:

NC_000009.11:g.(?_130579560)_(130582216_?)del

Gene: ENG (endoglin; minus strand). Cytogenetic location: 9q34.11.
Variant type: Deletion.
Identifiers: ClinVar variation 3245087 (VCV003245087.1).

ClinVar aggregate classification (germline): Pathogenic (1 of 4 stars; one submission).

Conditions:
Hereditary hemorrhagic telangiectasia (HHT). Also called: ORW DISEASE; Osler Weber Rendu syndrome; OSLER-RENDU-WEBER DISEASE; Osler hemorrhagic telangiectasia syndrome. Identifiers: Orphanet 774, MedGen C0039445, MONDO:0019180. Disease mechanism: loss of function.

Submission:

Labcorp Genetics (formerly Invitae), Labcorp
Classification: Pathogenic for Hereditary hemorrhagic telangiectasia. Last evaluated: 2018-01-24. Review status: criteria provided, single submitter. Criteria: Invitae Variant Classification Sherloc (09022015). Collection method: clinical testing. Allele origin: unknown.
Comment: For these reasons, this variant has been classified as Pathogenic. Loss-of-function variants in ENG are known to be pathogenic (PMID: 15879500, 20656886, 22385575). This variant has not been reported in the literature in individuals with ENG-related disease. This variant is a gross deletion of the genomic region encompassing the last 37 nucleotides of exon 9 and all of exons 10-12 of the ENG gene (c.1236_1687-77del). This likely creates a premature translational stop signal and is expected to result in an absent or disrupted protein product.

Literature cited by the submitters: PubMed 15879500; PubMed 20656886; PubMed 22385575.